The following is an entry in ClinVar:

NM_000452.3(SLC10A2):c.169A>G (p.Lys57Glu)

Gene: SLC10A2 (solute carrier family 10 member 2; minus strand). Cytogenetic location: 13q33.1.
Variant type: single nucleotide variant.
Coding change: c.169A>G on transcript NM_000452.3 (MANE Select); coding-DNA position 169, A replaced by G.
Protein change: p.Lys57Glu; replaces lysine 57 with glutamic acid.
Molecular consequence: missense variant.
Genome position (GRCh38, 1-based): chr13:103,066,081, T>C on the plus strand (A>G on the coding strand, the complement: SLC10A2 is on the minus strand). VCF-style: chr13-103066081-T-C. GRCh37 (hg19) VCF-style: chr13-103718431-T-C.
Other names: short protein forms K57E.
Identifiers: ClinVar variation 4743007 (VCV004743007.1).

ClinVar aggregate classification (germline): Uncertain significance (1 of 4 stars; one submission).

gnomAD v4.1: 19 of 1,614,176 alleles (0.0012%); highest among the groups gnomAD compares: Non-Finnish European, 0.0015%; no homozygotes.

Submission:

Labcorp Genetics (formerly Invitae), Labcorp
Classification: Uncertain significance. Last evaluated: 2025-03-13. Review status: criteria provided, single submitter. Criteria: Invitae Variant Classification Sherloc (09022015). Collection method: clinical testing. Allele origin: germline.
Comment: This sequence change replaces lysine, which is basic and polar, with glutamic acid, which is acidic and polar, at codon 57 of the SLC10A2 protein (p.Lys57Glu). This variant is present in population databases (rs766457595, gnomAD 0.0009%). This variant has not been reported in the literature in individuals affected with SLC10A2-related conditions. Invitae Evidence Modeling of protein sequence and biophysical properties (such as structural, functional, and spatial information, amino acid conservation, physicochemical variation, residue mobility, and thermodynamic stability) indicates that this missense variant is not expected to disrupt SLC10A2 protein function with a negative predictive value of 80%. In summary, the available evidence is currently insufficient to determine the role of this variant in disease. Therefore, it has been classified as a Variant of Uncertain Significance.